The following is an entry in ClinVar:

NM_006904.7(PRKDC):c.977T>C (p.Met326Thr)

Gene: PRKDC (protein kinase, DNA-activated, catalytic subunit; minus strand). Cytogenetic location: 8q11.21.
Variant type: single nucleotide variant.
Coding change: c.977T>C on transcript NM_006904.7 (MANE Select); coding-DNA position 977, T replaced by C.
Protein change: p.Met326Thr; replaces methionine 326 with threonine.
Molecular consequence: missense variant.
Genome position (GRCh38, 1-based): chr8:47,939,687, A>G on the plus strand (T>C on the coding strand, the complement: PRKDC is on the minus strand). VCF-style: chr8-47939687-A-G. GRCh37 (hg19) VCF-style: chr8-48852247-A-G.
Other names: c.977T>C, p.Met326Thr (NM_001081640.2); short protein forms M326T.
Identifiers: ClinVar variation 1768175 (VCV001768175.2), dbSNP rs1196981153, ClinGen allele CA371166855.

ClinVar aggregate classification (germline): Uncertain significance (1 of 4 stars; one submission).

Allele frequency attached by ClinVar (database versions not stated): gnomAD exomes below 0.00001.
gnomAD v4.1: 1 of 1,598,788 alleles (0.000063%); highest among the groups gnomAD compares: Admixed American, 0.0017%; no homozygotes.

Submission:

Ambry Genetics
Classification: Uncertain significance. Last evaluated: 2022-07-19. Review status: criteria provided, single submitter. Criteria: Ambry Variant Classification Scheme 2023. Collection method: clinical testing. Allele origin: germline.
Comment: The p.M326T variant (also known as c.977T>C), located in coding exon 11 of the PRKDC gene, results from a T to C substitution at nucleotide position 977. The methionine at codon 326 is replaced by threonine, an amino acid with similar properties. This amino acid position is conserved. In addition, this alteration is predicted to be tolerated by in silico analysis. Since supporting evidence is limited at this time, the clinical significance of this alteration remains unclear.